The following is an entry in ClinVar:

NM_006892.4(DNMT3B):c.647A>G (p.Glu216Gly)

Gene: DNMT3B (DNA methyltransferase 3 beta; plus strand). Cytogenetic location: 20q11.21.
Variant type: single nucleotide variant.
Coding change: c.647A>G on transcript NM_006892.4 (MANE Select); coding-DNA position 647, A replaced by G.
Protein change: p.Glu216Gly; replaces glutamic acid 216 with glycine.
Molecular consequence: missense variant.
Genome position (GRCh38, 1-based): chr20:32,787,444, A>G. VCF-style: chr20-32787444-A-G. GRCh37 (hg19) VCF-style: chr20-31375250-A-G.
Other names: c.521A>G, p.Glu174Gly (NM_001207055.2); c.419A>G, p.Glu140Gly (NM_001207056.2); c.647A>G, p.Glu216Gly (NM_175848.2, NM_175849.2); c.683A>G, p.Glu228Gly (NM_175850.3); short protein forms E140G, E174G, E216G, E228G.
Identifiers: ClinVar variation 2422314 (VCV002422314.4), dbSNP rs143402238, ClinGen allele CA9810273.

ClinVar aggregate classification (germline): Uncertain significance. Review status: criteria provided, multiple submitters, no conflicts (2 of 4 stars). 2 submissions from 2 submitters: Uncertain significance (2). Last evaluated 2024-01-24.

Conditions:
Centromeric instability of chromosomes 1,9 and 16 and immunodeficiency (ICF1). Also called: IMMUNE DEFICIENCY, VARIABLE, WITH CENTROMERIC INSTABILITY OF CHROMOSOMES 1, 9, AND 16; IMMUNODEFICIENCY SYNDROME, VARIABLE; Immunodeficiency-centromeric instability-facial anomalies; CENTROMERIC INSTABILITY, IMMUNODEFICIENCY SYNDROME. Identifiers: Orphanet 2268, MedGen C0398788, MONDO:0000133.
Inborn genetic diseases. Identifiers: MedGen C0950123, MeSH D030342.

Allele frequency attached by ClinVar (database versions not stated): gnomAD exomes 0.00001; ExAC 0.00004; TOPMed 0.00004; ESP Exome Variant Server 0.00008; gnomAD 0.00008; 1000 Genomes Project 30x 0.00016; 1000 Genomes Project 0.00020.
gnomAD v4.1: 26 of 1,613,814 alleles (0.0016%); highest among the groups gnomAD compares: African/African-American, 0.027%; no homozygotes.

Submissions (2):

Ambry Genetics
Classification: Uncertain significance for Inborn genetic diseases. Last evaluated: 2024-01-24. Review status: criteria provided, single submitter. Criteria: Ambry Variant Classification Scheme 2023. Collection method: clinical testing. Allele origin: germline.

Labcorp Genetics (formerly Invitae), Labcorp
Classification: Uncertain significance for Centromeric instability of chromosomes 1,9 and 16 and immunodeficiency. Last evaluated: 2022-02-23. Review status: criteria provided, single submitter. Criteria: Invitae Variant Classification Sherloc (09022015). Collection method: clinical testing. Allele origin: germline.
Comment: This sequence change replaces glutamic acid, which is acidic and polar, with glycine, which is neutral and non-polar, at codon 216 of the DNMT3B protein (p.Glu216Gly). The frequency data for this variant in the population databases is considered unreliable, as metrics indicate poor data quality at this position in the gnomAD database. This variant has not been reported in the literature in individuals affected with DNMT3B-related conditions. Algorithms developed to predict the effect of missense changes on protein structure and function (SIFT, PolyPhen-2, Align-GVGD) all suggest that this variant is likely to be disruptive. In summary, the available evidence is currently insufficient to determine the role of this variant in disease. Therefore, it has been classified as a Variant of Uncertain Significance.